The following is an entry in ClinVar:

ClinVar aggregate classification (germline): Uncertain significance (1 of 4 stars; one submission).

Conditions:
Intellectual developmental disorder, autosomal dominant 54. Also called: MENTAL RETARDATION, AUTOSOMAL DOMINANT 54; Intellectual disability, autosomal dominant 54. Identifiers: MedGen C4540484, MONDO:0030920, OMIM 617799.

Submission:

3billion
Classification: Uncertain significance for Intellectual developmental disorder, autosomal dominant 54. Last evaluated: 2024-07-11. Review status: criteria provided, single submitter. Criteria: ACMG Guidelines, 2015. Collection method: clinical testing. Allele origin: germline. Affected: yes.
Comment: The variant is not observed in the gnomAD v4.1.0 dataset. Predicted Consequence/Location: Missense variant In silico tool predictions are conflicting [REVEL: 0.75 (>=0.6, sensitivity 0.68 and specificity 0.92); 3Cnet: 0.14 (>=0.6, sensitivity 0.72 and precision 0.9)]. Therefore, this variant is classified as VUS according to the recommendation of ACMG/AMP guideline.

NM_001220.5(CAMK2B):c.127A>G (p.Lys43Glu)

Gene: CAMK2B (calcium/calmodulin dependent protein kinase II beta; minus strand). Cytogenetic location: 7p13.
Variant type: single nucleotide variant.
Coding change: c.127A>G on transcript NM_001220.5 (MANE Select); coding-DNA position 127, A replaced by G.
Protein change: p.Lys43Glu; replaces lysine 43 with glutamic acid.
Molecular consequence: missense variant.
Genome position (GRCh38, 1-based): chr7:44,284,164, T>C on the plus strand (A>G on the coding strand, the complement: CAMK2B is on the minus strand). VCF-style: chr7-44284164-T-C. GRCh37 (hg19) VCF-style: chr7-44323763-T-C.
Other names: c.127A>G, p.Lys43Glu (NM_172081.3, NM_172082.3, NM_172083.3 and 5 more transcripts); short protein forms K43E.
Identifiers: ClinVar variation 4292965 (VCV004292965.1).